The following is an entry in ClinVar:

ClinVar aggregate classification (germline): Uncertain significance (1 of 4 stars; one submission).

Submission:

GeneDx
Classification: Uncertain significance. Last evaluated: 2017-08-03. Review status: criteria provided, single submitter. Criteria: GeneDx Variant Classification (06012015). Collection method: clinical testing. Allele origin: germline. Affected: yes.
Comment: The D351G variant in the ETV6 gene has not been reported previously as a pathogenic variant, nor as a benign variant, to our knowledge. The D351G variant is not observed in large population cohorts (Lek et al., 2016; 1000 Genomes Consortium et al., 2015; Exome Variant Server). The D351G variant is a non-conservative amino acid substitution, which is likely to impact secondary protein structure as these residues differ in polarity, charge, size and/or other properties. This substitution occurs at a position that is conserved across species. In silico analysis predicts this variant is probably damaging to the protein structure/function. We interpret D351G as a variant of uncertain significance.

NM_001987.5(ETV6):c.1052A>G (p.Asp351Gly)

Genes: ETV6 (ETS variant transcription factor 6; plus strand), LOC126861452 (CDK7 strongly-dependent group 2 enhancer GRCh37_chr12:12037195-12038394; plus strand). Cytogenetic location: 12p13.2.
Variant type: single nucleotide variant.
Coding change: c.1052A>G on transcript NM_001987.5 (MANE Select); coding-DNA position 1052, A replaced by G.
Protein change: p.Asp351Gly; replaces aspartic acid 351 with glycine.
Molecular consequence: missense variant.
Genome position (GRCh38, 1-based): chr12:11,884,487, A>G. VCF-style: chr12-11884487-A-G. GRCh37 (hg19) VCF-style: chr12-12037421-A-G.
Other names: short protein forms D351G.
Identifiers: ClinVar variation 450913 (VCV000450913.2), dbSNP rs199735381, ClinGen allele CA384044554.
Genomic context (GRCh38, chr12:11,884,487, plus strand): 5'-TGCCCTTTTCCTCTGTAGACTGTAGACTGCTTTGGGATTACGTCTATCAGTTGCTTTCTG[A>G]CAGCCGGTACGAAAACTTCATCCGATGGGAGGACAAAGAATCCAAAATATTCCGGATAGT-3'
Protein context (NP_001978.1, residues 341-361): LWDYVYQLLS[Asp351Gly]SRYENFIRWE